The following is an entry in ClinVar:

ClinVar aggregate classification (germline): Conflicting classifications of pathogenicity. Review status: criteria provided, conflicting classifications (1 of 4 stars). 4 submissions from 4 submitters: Uncertain significance (2); Likely benign (2). Last evaluated 2026-08-24.

Conditions:
Inborn genetic diseases. Identifiers: MedGen C0950123, MeSH D030342.
MAGEL2-related disorder. Also called: MAGEL2-related condition.

Allele frequency attached by ClinVar (database versions not stated): ExAC 0.00002; gnomAD exomes 0.00002; TOPMed 0.00003; gnomAD 0.00004.
gnomAD v4.1: 43 of 1,613,730 alleles (0.0027%); highest among the groups gnomAD compares: East Asian, 0.0067%; no homozygotes.

Submissions (4):

PreventionGenetics, part of Exact Sciences
Classification: Uncertain significance for MAGEL2-related condition. Last evaluated: 2026-08-24. Review status: criteria provided, single submitter. Criteria: ACMG Guidelines, 2015. Collection method: clinical testing. Allele origin: germline.
Comment: The MAGEL2 c.3256G>A variant is predicted to result in the amino acid substitution p.Ala1086Thr. To our knowledge, this variant has not been reported in the literature. This variant is reported in 0.0039% of alleles in individuals of European (Non-Finnish) descent in gnomAD. At this time, the clinical significance of this variant is uncertain due to the absence of conclusive functional and genetic evidence.

CeGaT Center for Human Genetics Tuebingen
Classification: Likely benign. Last evaluated: 2026-02-01. Review status: criteria provided, single submitter. Criteria: CeGaT Center For Human Genetics Tuebingen Variant Classification Criteria Version 2. Collection method: clinical testing. Allele origin: germline. Affected: yes. Observed: 1 variant allele.
Comment: MAGEL2: BP4, BS2

Labcorp Genetics (formerly Invitae), Labcorp
Classification: Uncertain significance. Last evaluated: 2025-12-08. Review status: criteria provided, single submitter. Criteria: Invitae Variant Classification Sherloc (09022015). Collection method: clinical testing. Allele origin: germline.
Comment: This sequence change replaces alanine, which is neutral and non-polar, with threonine, which is neutral and polar, at codon 1086 of the MAGEL2 protein (p.Ala1086Thr). This variant is present in population databases (rs753866114, gnomAD 0.005%). This variant has not been reported in the literature in individuals affected with MAGEL2-related conditions. ClinVar contains an entry for this variant (Variation ID: 2272463). Invitae Evidence Modeling of protein sequence and biophysical properties (such as structural, functional, and spatial information, amino acid conservation, physicochemical variation, residue mobility, and thermodynamic stability) indicates that this missense variant is not expected to disrupt MAGEL2 protein function with a negative predictive value of 80%. In summary, the available evidence is currently insufficient to determine the role of this variant in disease. Therefore, it has been classified as a Variant of Uncertain Significance.

Ambry Genetics
Classification: Likely benign for Inborn genetic diseases. Last evaluated: 2022-01-19. Review status: criteria provided, single submitter. Criteria: Ambry Variant Classification Scheme 2023. Collection method: clinical testing. Allele origin: germline.

NM_019066.5(MAGEL2):c.3256G>A (p.Ala1086Thr)

Gene: MAGEL2 (MAGE family member L2; minus strand). Cytogenetic location: 15q11.2.
Variant type: single nucleotide variant.
Coding change: c.3256G>A on transcript NM_019066.5 (MANE Select); coding-DNA position 3256, G replaced by A.
Protein change: p.Ala1086Thr; replaces alanine 1086 with threonine.
Molecular consequence: missense variant.
Genome position (GRCh38, 1-based): chr15:23,644,487, C>T on the plus strand (G>A on the coding strand, the complement: MAGEL2 is on the minus strand). VCF-style: chr15-23644487-C-T. GRCh37 (hg19) VCF-style: chr15-23889634-C-T.
Other names: short protein forms A1086T.
Identifiers: ClinVar variation 2272463 (VCV002272463.8), dbSNP rs753866114, ClinGen allele CA7429714.